The following is an entry in ClinVar:

NM_001353345.2(SETD1B):c.293_294insAACGTGGG (p.Pro99fs)

Gene: SETD1B (SET domain containing 1B, histone lysine methyltransferase; plus strand). Cytogenetic location: 12q24.31.
Variant type: Insertion.
Coding change: c.293_294insAACGTGGG on transcript NM_001353345.2 (MANE Select); coding-DNA positions 293 to 294, AACGTGGG inserted.
Protein change: p.Pro99fs; shifts the reading frame from proline 99.
Molecular consequence: frameshift variant.
Genome position: GRCh38 VCF-style: chr12-121805847-T-TACGTGGGA. GRCh37 (hg19) VCF-style: chr12-122243753-T-TACGTGGGA.
Other names: short protein forms P99fs.
Identifiers: ClinVar variation 1679142 (VCV001679142.2), dbSNP rs2137544133, ClinGen allele CA2573148021.

ClinVar aggregate classification (germline): Pathogenic (1 of 4 stars; one submission).

Conditions:
Intellectual developmental disorder with seizures and language delay (IDDSELD). Identifiers: MedGen C5436574, MONDO:0033559, OMIM 619000.

Submission:

Institute of Human Genetics, University of Leipzig Medical Center
Classification: Pathogenic for Intellectual developmental disorder with seizures and language delay. Last evaluated: 2022-10-18. Review status: criteria provided, single submitter. Criteria: ACMG Guidelines, 2015. Collection method: clinical testing. Allele origin: de novo. Affected: yes.
Comment: This variant was identified as de novo (maternity and paternity confirmed)._x000D_ Criteria applied: PVS1, PM2_SUP, PS2_MOD